The following is an entry in ClinVar:

NM_022081.6(HPS4):c.*1253G>A

Gene: HPS4 (HPS4 biogenesis of lysosomal organelles complex 3 subunit 2; minus strand). Cytogenetic location: 22q12.1.
Variant type: single nucleotide variant.
Coding change: c.*1253G>A on transcript NM_022081.6 (MANE Select); 1253 bases downstream of the stop codon, G replaced by A.
Molecular consequence: 3 prime UTR variant. On other transcripts: non-coding transcript variant (7), intron variant (2).
Genome position (GRCh38, 1-based): chr22:26,451,980, C>T on the plus strand (G>A on the coding strand, the complement: HPS4 is on the minus strand). VCF-style: chr22-26451980-C-T. GRCh37 (hg19) VCF-style: chr22-26847946-C-T.
Other names: c.*1253G>A (NM_152841.2, NM_001349896.1, NM_001349898.2 and 3 more transcripts); c.1955+5879G>A (NM_001349905.1, NM_001349904.2); c.*1188G>A (NM_001349902.1, NM_001349903.2).
Identifiers: ClinVar variation 340971 (VCV000340971.5), dbSNP rs534586940, ClinGen allele CA10645195.

ClinVar aggregate classification (germline): Likely benign (1 of 4 stars; one submission).

Conditions:
Hermansky-Pudlak syndrome 4 (HPS4). Identifiers: Orphanet 231500, Orphanet 79430, MedGen C3484357, MONDO:0013556, OMIM 614073.

Allele frequency attached by ClinVar (database versions not stated): gnomAD exomes 0.00013; gnomAD 0.00156 and 0.00161; TOPMed 0.00161; 1000 Genomes Project 0.00240.
gnomAD v4.1: 217 of 175,478 alleles (0.12%); highest among the groups gnomAD compares: Middle Eastern, 0.52%; no homozygotes.

Submission:

Illumina Laboratory Services, Illumina
Classification: Likely benign for Hermansky-Pudlak syndrome 4. Last evaluated: 2018-01-12. Review status: criteria provided, single submitter. Criteria: ICSL Variant Classification Criteria 13 December 2019. Collection method: clinical testing. Allele origin: germline.
Comment: This variant was observed in the ICSL laboratory as part of a predisposition screen in an ostensibly healthy population. It had not been previously curated by ICSL or reported in the Human Gene Mutation Database (HGMD: prior to June 1st, 2018), and was therefore a candidate for classification through an automated scoring system. Utilizing variant allele frequency, disease prevalence and penetrance estimates, and inheritance mode, an automated score was calculated to assess if this variant is too frequent to cause the disease. Based on the score and internal cut-off values, a variant classified as likely benign is not then subjected to further curation. The score for this variant resulted in a classification of likely benign for this disease.